The following is an entry in ClinVar:

NM_015896.4(ZMYND10):c.320T>C (p.Val107Ala)

Gene: ZMYND10 (zinc finger MYND-type containing 10; minus strand). Cytogenetic location: 3p21.31.
Variant type: single nucleotide variant.
Coding change: c.320T>C on transcript NM_015896.4 (MANE Select); coding-DNA position 320, T replaced by C.
Protein change: p.Val107Ala; replaces valine 107 with alanine.
Molecular consequence: missense variant.
Genome position (GRCh38, 1-based): chr3:50,343,615, A>G on the plus strand (T>C on the coding strand, the complement: ZMYND10 is on the minus strand). VCF-style: chr3-50343615-A-G. GRCh37 (hg19) VCF-style: chr3-50381046-A-G.
Other names: c.320T>C, p.Val107Ala (NM_001308379.2); short protein forms V107A.
Identifiers: ClinVar variation 525353 (VCV000525353.5), dbSNP rs751659076, ClinGen allele CA2417246.
Genomic context (GRCh38, chr3:50,343,615, plus strand): 5'-TCCCTCACCTTGTGGAAGAACACTGTCTCCAAGAGGTTGATGATGGAGGCCTCGTGGTGC[A>G]CCTGTCAGATAAAGAGAAGGACAGGGCCTGAGGAAGGGATAGGGGCTACCAGCTCTCCTC-3'
Protein context (NP_056980.2, residues 97-117): PQNTFPIYMV[Val107Ala]HHEASIINLL

ClinVar aggregate classification (germline): Uncertain significance. Review status: criteria provided, multiple submitters, no conflicts (2 of 4 stars). 2 submissions from 2 submitters: Uncertain significance (2). Last evaluated 2022-07-25.

Conditions:
Inborn genetic diseases. Identifiers: MedGen C0950123, MeSH D030342.
Primary ciliary dyskinesia. Also called: Ciliary dyskinesia. Identifiers: Orphanet 244, MedGen C0008780, MONDO:0016575, HP:0012265.

Allele frequency attached by ClinVar (database versions not stated): gnomAD exomes 0.00001 and 0.00002; ExAC 0.00004; gnomAD 0.00004; TOPMed 0.00005.
gnomAD v4.1: 16 of 1,613,990 alleles (0.00099%); highest among the groups gnomAD compares: African/African-American, 0.019%; no homozygotes.

Submissions (2):

Labcorp Genetics (formerly Invitae), Labcorp
Classification: Uncertain significance for Primary ciliary dyskinesia. Last evaluated: 2022-07-25. Review status: criteria provided, single submitter. Criteria: Invitae Variant Classification Sherloc (09022015). Collection method: clinical testing. Allele origin: germline.
Comment: This sequence change replaces valine, which is neutral and non-polar, with alanine, which is neutral and non-polar, at codon 107 of the ZMYND10 protein (p.Val107Ala). This variant is present in population databases (rs751659076, gnomAD 0.04%). This variant has not been reported in the literature in individuals affected with ZMYND10-related conditions. ClinVar contains an entry for this variant (Variation ID: 525353). Algorithms developed to predict the effect of missense changes on protein structure and function are either unavailable or do not agree on the potential impact of this missense change (SIFT: "Deleterious"; PolyPhen-2: "Benign"; Align-GVGD: "Class C25"). In summary, the available evidence is currently insufficient to determine the role of this variant in disease. Therefore, it has been classified as a Variant of Uncertain Significance.

Ambry Genetics
Classification: Uncertain significance for Inborn genetic diseases. Last evaluated: 2022-06-24. Review status: criteria provided, single submitter. Criteria: Ambry Variant Classification Scheme 2023. Collection method: clinical testing. Allele origin: germline.